The following is an entry in ClinVar:

NM_001723.7(DST):c.6785G>A (p.Arg2262His)

Gene: DST (dystonin; minus strand). Cytogenetic location: 6p12.1.
Variant type: single nucleotide variant.
Coding change: c.6785G>A on transcript NM_001723.7 (MANE Plus Clinical); coding-DNA position 6785, G replaced by A.
Protein change: p.Arg2262His; replaces arginine 2262 with histidine.
Molecular consequence: missense variant. On other transcripts: intron variant (10).
Genome position (GRCh38, 1-based): chr6:56,616,682, C>T on the plus strand (G>A on the coding strand, the complement: DST is on the minus strand). VCF-style: chr6-56616682-C-T. GRCh37 (hg19) VCF-style: chr6-56481480-C-T.
Other names: c.4831-2198G>A (NM_001144769.5); c.4930-2198G>A (NM_001374722.1, NM_001374736.1); c.4957-2198G>A (NM_001374734.1); c.4417-2198G>A (NM_001144770.2); c.4297-2198G>A (NM_001374730.1, NM_001386100.1, NM_183380.4 and 1 more transcripts); c.3319-2198G>A (NM_015548.5); short protein forms R2262H.
Identifiers: ClinVar variation 1415505 (VCV001415505.7), dbSNP rs766861762, ClinGen allele CA3870094.

ClinVar aggregate classification (germline): Uncertain significance (1 of 4 stars; one submission).

Conditions:
Hereditary sensory and autonomic neuropathy type 6. Also called: HSAN VI; Neuropathy, hereditary sensory and autonomic, type VI. Identifiers: Orphanet 314381, MedGen C3539003, MONDO:0013839, OMIM 614653.
Epidermolysis bullosa simplex 3, localized or generalized intermediate, with BP230 deficiency (EBS3). Also called: Epidermolysis bullosa simplex, autosomal recessive 2; Epidermolysis bullosa simplex due to BP230 deficiency. Identifiers: Orphanet 412181, MedGen C3809470, MONDO:0014180, OMIM 615425.

Allele frequency attached by ClinVar (database versions not stated): ExAC 0.00002; gnomAD exomes 0.00003.
gnomAD v4.1: 17 of 1,614,046 alleles (0.0011%); highest among the groups gnomAD compares: Middle Eastern, 0.016%; no homozygotes.

Submission:

Labcorp Genetics (formerly Invitae), Labcorp
Classification: Uncertain significance for Epidermolysis bullosa simplex 3, localized or generalized intermediate, with BP230 deficiency; Hereditary sensory and autonomic neuropathy type 6. Last evaluated: 2021-04-05. Review status: criteria provided, single submitter. Criteria: Invitae Variant Classification Sherloc (09022015). Collection method: clinical testing. Allele origin: germline.
Comment: This sequence change replaces arginine with histidine at codon 2262 of the DST protein (p.Arg2262His). The arginine residue is weakly conserved and there is a small physicochemical difference between arginine and histidine. This variant is present in population databases (rs766861762, ExAC 0.01%). This variant has not been reported in the literature in individuals with DST-related conditions. Algorithms developed to predict the effect of missense changes on protein structure and function (SIFT, PolyPhen-2, Align-GVGD) all suggest that this variant is likely to be tolerated, but these predictions have not been confirmed by published functional studies and their clinical significance is uncertain. In summary, the available evidence is currently insufficient to determine the role of this variant in disease. Therefore, it has been classified as a Variant of Uncertain Significance.